The following continues an entry in ClinVar:

NM_000059.4(BRCA2):c.4889C>G (p.Ser1630Ter)

Gene: BRCA2. ClinVar aggregate classification (germline): Pathogenic. Pathogenic (1).

Submissions 12 to 25 of 25:

Baylor Genetics
Classification: Pathogenic for Familial cancer of breast. Last evaluated: 2024-03-16. Review status: criteria provided, single submitter. Criteria: ACMG Guidelines, 2015. Collection method: clinical testing. Allele origin: unknown. Not counted in ClinVar's aggregate classification.

All of Us Research Program, National Institutes of Health
Classification: Pathogenic for Breast-ovarian cancer, familial, susceptibility to, 2. Last evaluated: 2023-11-16. Review status: criteria provided, single submitter. Criteria: ACMG Guidelines, 2015. Collection method: clinical testing. Allele origin: germline. Inheritance: Autosomal dominant inheritance. Observed: 2 variant alleles, 2 heterozygotes. Not counted in ClinVar's aggregate classification.
Comment: This variant changes 1 nucleotide in exon 11 of the BRCA2 gene, creating a premature translation stop signal. This variant is also known as 5117C>G in the literature. This variant is expected to result in an absent or non-functional protein product. This variant has been detected in at least 10 Individuals and families affected with breast and ovarian cancer (PMID: 11056688, 12920083, 15131399, 16912212, 17624602, 22044689, 23884708, 24549055, 25342642, 28831036, 33471991; Leiden Open Variation Database DB-ID BRCA2_002196) and an individual affected with prostate cancer (PMID: 23569316). This variant has been identified in 2/248994 chromosomes in the general population by the Genome Aggregation Database (gnomAD). Loss of BRCA2 function is a known mechanism of disease. Based on the available evidence, this variant is classified as Pathogenic.

This study involves interpretation of variants in research participants for the purpose of population health screening. Participant phenotype was not available at the time of variant classification. Additional details can be found in publication PMID: 35346344, PMCID: PMC8962531

Mayo Clinic Laboratories, Mayo Clinic
Classification: Pathogenic. Last evaluated: 2023-09-06. Review status: criteria provided, single submitter. Criteria: ACMG Guidelines, 2015. Collection method: clinical testing. Allele origin: germline. Observed: 1 variant allele. Not counted in ClinVar's aggregate classification.
Comment: PM5_strong, PVS1

Institute for Genomic Medicine (IGM) Clinical Laboratory, Nationwide Children's Hospital
Classification: Pathogenic for Hereditary cancer-predisposing syndrome. Last evaluated: 2023-06-14. Review status: criteria provided, single submitter. Criteria: ACMG Guidelines, 2015. Collection method: clinical testing. Allele origin: germline. Not counted in ClinVar's aggregate classification.
Comment: This variant is predicted to result in loss of function through nonsense-mediated decay of the encoded transcript or premature truncation of the encoded protein in a gene in which loss of function is a known mechanism of disease (ACMG/AMP: PVS1; PMID:20104584). This variant has been reported at an elevated frequency in affected individuals/in multiple affected individuals in the literature (ACMG/AMP: PS4; PMIDs:12920083, 16912212, 11056688, 15131399, 23884708, 17624602, 22044689, 24549055, 25342642, 28831036). This variant is absent from or present at an exceedingly low frequency in gnomAD, a large-scale control population database (ACMG/AMP: PM2).

CeGaT Center for Human Genetics Tuebingen
Classification: Pathogenic. Last evaluated: 2021-08-01. Review status: criteria provided, single submitter. Criteria: CeGaT Center For Human Genetics Tuebingen Variant Classification Criteria Version 2. Collection method: clinical testing. Allele origin: germline. Affected: yes. Observed: 1 variant allele. Not counted in ClinVar's aggregate classification.

GeneDx
Classification: Pathogenic. Last evaluated: 2020-10-14. Review status: criteria provided, single submitter. Criteria: GeneDx Variant Classification Process June 2021. Collection method: clinical testing. Allele origin: germline. Affected: yes. Not counted in ClinVar's aggregate classification.
Comment: Nonsense variant predicted to result in protein truncation or nonsense mediated decay in a gene for which loss-of-function is a known mechanism of disease; Observed in multiple individuals with breast and/or ovarian cancer (Ozcelik 2003, Claus 2005, Malone 2006, Rodriguez 2012, Castera 2014, Zugazagoitia 2014, Pellegrino 2016); Not observed at a significant frequency in large population cohorts (gnomAD); Truncating variants in this gene are considered pathogenic by a well-established clinical consortium and/or database; Also known as c.5117C>G; This variant is associated with the following publications: (PMID: 25525159, 15728167, 29767749, 30263092, 17624602, 22762150, 24549055, 24880342, 15131399, 26659639, 26586665, 25342642, 20730485, 27163896, 11056688, 22044689, 16912212, 28831036, 29021639, 30487452, 28127413, 30430080, 29446198, 30720243, 30322717, 12920083, 32341426, 30787465, 31447099)

GeneKor MSA
Classification: Pathogenic. Last evaluated: 2020-01-01. Review status: criteria provided, single submitter. Criteria: ACMG Guidelines, 2015. Collection method: clinical testing. Allele origin: germline. Not counted in ClinVar's aggregate classification.
Comment: This variant is a single amino acid change from Serine to a termination codon at amino acid residue 1630 of the BRCA2 gene. This is expected to result in an absent or disrupted protein product. Truncating variants in the BRCA2 gene are known to be pathogenic. This variant is also known as c.5117C>G in the literature. This particular variant has been reported in the international literature in families and individuals affected with breast cancer (PMID: 12920083, 22762150, 17624602). The mutation database ClinVar contains an entry for this variant (Variation ID: 51732).

Eurofins Ntd Llc (ga)
Classification: Pathogenic. Last evaluated: 2016-11-04. Review status: criteria provided, single submitter. Criteria: EGL Classification Definitions 2015. Collection method: clinical testing. Allele origin: germline. Observed: 1 variant allele, 1 heterozygote. Not counted in ClinVar's aggregate classification.

Laboratory for Molecular Medicine, Mass General Brigham Personalized Medicine
Classification: Pathogenic for Hereditary breast ovarian cancer syndrome. Last evaluated: 2016-10-04. Review status: criteria provided, single submitter. Criteria: LMM Criteria. Collection method: clinical testing. Allele origin: germline. Inheritance: Autosomal dominant inheritance. Observed: 2 variant alleles. Not counted in ClinVar's aggregate classification.
Comment: The p.Ser1630X variant in BRCA2 has been reported in at least 15 individuals wit h BRCA2-associated cancers (Castera 2014, Castro 2013, Lecarpentier 2012, Ozceli k 2003, Zugazagoitia 2014, Breast Cancer Information Core database .). This variant has been identified in 2/65832 European chrom osomes by the Exome Aggregation Consortium (ExAC ; dbSNP rs80358711). This frequency is low enough to be consistent with the freq uency of hereditary breast and ovarian cancer (HBOC) in the general population. This nonsense variant leads to a premature termination codon at position 1630, w hich is predicted to lead to a truncated or absent protein. Heterozygous loss of function of the BRCA2 gene is an established disease mechanism in HBOC. In addi tion, this variant was classified as Pathogenic on September 8, 2016 by the Clin Gen-approved ENIGMA expert panel (ClinVar SCV000300794.2). In summary, this vari ant meets criteria to be classified as pathogenic for HBOC in an autosomal domin ant manner based upon the predicted impact to the protein.

Consortium of Investigators of Modifiers of BRCA1/2 (CIMBA), c/o University of Cambridge
Classification: Pathogenic for Breast-ovarian cancer, familial, susceptibility to, 2. Last evaluated: 2015-10-02. Review status: criteria provided, single submitter. Criteria: CIMBA Mutation Classification guidelines May 2016. Collection method: clinical testing. Allele origin: germline. Not counted in ClinVar's aggregate classification.

Counsyl
Classification: Pathogenic for Breast-ovarian cancer, familial, susceptibility to, 2. Last evaluated: 2017-01-04. Review status: no assertion criteria provided. Collection method: clinical testing. Allele origin: unknown. Not counted in ClinVar's aggregate classification.

Research Molecular Genetics Laboratory, Women's College Hospital, University of Toronto
Classification: Pathogenic for Hereditary breast ovarian cancer syndrome. Last evaluated: 2014-01-31. Review status: no assertion criteria provided. Collection method: research. Allele origin: germline. Affected: yes. Study: The Canadian Open Genetics Repository (COGR). Not counted in ClinVar's aggregate classification.

Sharing Clinical Reports Project (SCRP)
Classification: Pathogenic for Breast-ovarian cancer, familial 2. Last evaluated: 2011-02-08. Review status: no assertion criteria provided. Collection method: clinical testing. Allele origin: germline. Not counted in ClinVar's aggregate classification.

Breast Cancer Information Core (BIC) (BRCA2)
Classification: Pathogenic for Breast-ovarian cancer, familial 2. Last evaluated: 2002-05-29. Review status: no assertion criteria provided. Collection method: clinical testing. Allele origin: germline. Affected: yes. Observed: 6 variant alleles. Not counted in ClinVar's aggregate classification.

Literature cited by the submitters: PubMed 12920083 (cited by 9 submitters); PubMed 16912212 (cited by 5 submitters); PubMed 11056688 (cited by 5 submitters); PubMed 23884708 (cited by 4 submitters); PubMed 22044689 (cited by 5 submitters); PubMed 24549055 (cited by 7 submitters); PubMed 29446198 (cited by Women's Health and Genetics/Laboratory Corporation of America, LabCorp and Quest Diagnostics Nichols Institute San Juan Capistrano); PubMed 20104584 (cited by Labcorp Genetics (formerly Invitae), Labcorp and Institute for Genomic Medicine (IGM) Clinical Laboratory, Nationwide Children's Hospital); PubMed 17624602 (cited by 6 submitters); PubMed 22762150 (cited by 3 submitters); PubMed 28024868 (cited by Ambry Genetics and Quest Diagnostics Nichols Institute San Juan Capistrano); PubMed 28831036 (cited by 5 submitters); PubMed 25342642 (cited by 5 submitters); PubMed 15728167 (cited by Quest Diagnostics Nichols Institute San Juan Capistrano and Counsyl); PubMed 33471991 (cited by 3 submitters); PubMed 36555431 (cited by Quest Diagnostics Nichols Institute San Juan Capistrano); PubMed 33047316 (cited by Quest Diagnostics Nichols Institute San Juan Capistrano); PubMed 32341426 (cited by Quest Diagnostics Nichols Institute San Juan Capistrano and Mayo Clinic Laboratories, Mayo Clinic); PubMed 29625052 (cited by Quest Diagnostics Nichols Institute San Juan Capistrano and Mayo Clinic Laboratories, Mayo Clinic); PubMed 30736435 (cited by Quest Diagnostics Nichols Institute San Juan Capistrano and Mayo Clinic Laboratories, Mayo Clinic); PubMed 30625039 (cited by Quest Diagnostics Nichols Institute San Juan Capistrano and Mayo Clinic Laboratories, Mayo Clinic); PubMed 30322717 (cited by Quest Diagnostics Nichols Institute San Juan Capistrano and Mayo Clinic Laboratories, Mayo Clinic); PubMed 26295337 (cited by Quest Diagnostics Nichols Institute San Juan Capistrano); PubMed 15131399 (cited by 4 submitters); PubMed 23569316 (cited by 4 submitters); PubMed 26689913 (cited by Mayo Clinic Laboratories, Mayo Clinic).